The following is an entry in ClinVar:

ClinVar aggregate classification (germline): Pathogenic (1 of 4 stars; one submission).

Conditions:
Tuberous sclerosis syndrome (TSC). Also called: Tuberous Sclerosis Complex; Tuberous sclerosis. Identifiers: Orphanet 805, MedGen C0041341, MONDO:0001734.

Submission:

Clinical Genetics Laboratory, Skane University Hospital Lund
Classification: Pathogenic for Tuberous sclerosis syndrome. Last evaluated: 2026-04-13. Review status: criteria provided, single submitter. Criteria: ACMG Guidelines, 2015. Collection method: clinical testing. Allele origin: de novo. Inheritance: Autosomal dominant inheritance. Affected: yes.
Comment: ACMG criteria used: PVS1, PS2 and PM2

NM_000548.5(TSC2):c.1736_1739dup (p.Ser581fs)

Gene: TSC2 (TSC complex subunit 2; plus strand). Cytogenetic location: 16p13.3.
Variant type: Microsatellite.
Coding change: c.1736_1739dup on transcript NM_000548.5 (MANE Select); coding-DNA positions 1736 to 1739, 4 bases duplicated (CTGC; older notation c.1736_1739dupCTGC).
Protein change: p.Ser581fs; shifts the reading frame from serine 581.
Molecular consequence: frameshift variant. On other transcripts: non-coding transcript variant (5).
Genome position (GRCh38, 1-based): chr16:2,070,475-2,070,478, CTGC duplicated; duplicating any 4 consecutive bases within chr16:2,070,470-2,070,478 gives the same sequence; the c. name uses the placement nearest the transcript's 3' end. VCF-style (leftmost placement, unchanged base first): chr16-2070469-C-CCCTG. GRCh37 (hg19) VCF-style: chr16-2120470-C-CCCTG.
Other names: c.1736_1739dup, p.Ser581fs (NM_001406664.1, NM_001406665.1, NM_021055.3 and 6 more transcripts); c.1826_1829dup, p.Ser611fs (NM_001406667.1, NM_001406668.1); c.1625_1628dup, p.Ser544fs (NM_001406670.1, NM_001406678.1, NM_001318827.2); c.1724_1727dup, p.Ser577fs (NM_001406671.1, NM_001406673.1); c.1589_1592dup, p.Ser532fs (NM_001406675.1, NM_001406676.1, NM_001406679.1 and 1 more transcripts); c.1679_1682dup, p.Ser562fs (NM_001406677.1); c.1136_1139dup, p.Ser381fs (NM_001406680.1, NM_001406682.1, NM_001406683.1 and 6 more transcripts); c.1274_1277dup, p.Ser427fs (NM_001406681.1); and 3 more; short protein forms S133fs, S381fs, S427fs, S47fs, S532fs, S544fs, S562fs, S577fs.
Identifiers: ClinVar variation 4819994 (VCV004819994.1).